The following is an entry in ClinVar:

NM_004082.5(DCTN1):c.127A>G (p.Thr43Ala)

Gene: DCTN1 (dynactin subunit 1; minus strand). Cytogenetic location: 2p13.1.
Variant type: single nucleotide variant.
Coding change: c.127A>G on transcript NM_004082.5 (MANE Select); coding-DNA position 127, A replaced by G.
Protein change: p.Thr43Ala; replaces threonine 43 with alanine.
Molecular consequence: missense variant. On other transcripts: non-coding transcript variant (1).
Genome position (GRCh38, 1-based): chr2:74,378,152, T>C on the plus strand (A>G on the coding strand, the complement: DCTN1 is on the minus strand). VCF-style: chr2-74378152-T-C. GRCh37 (hg19) VCF-style: chr2-74605279-T-C.
Other names: c.127A>G, p.Thr43Ala (NM_001135040.3, NM_001190837.2); c.76A>G, p.Thr26Ala (NM_001190836.2, NM_001378991.1, NM_001378992.1); short protein forms T26A, T43A.
Identifiers: ClinVar variation 2635517 (VCV002635517.2), dbSNP rs1675333286, ClinGen allele CA347322730.
Genomic context (GRCh38, chr2:74,378,152, plus strand): 5'-CCAGAATCACGCCTACCCATTTGCCAGTGGCAAACAGTGTGGCTCCAACATAGGCCACAG[T>C]GCCTCGGTGGCCTTTTCCAATCACCTCTACACGGGAGCCCACCCGCAGAGGCCGGGCGCT-3'
Protein context (NP_004073.2, residues 33-53): VEVIGKGHRG[Thr43Ala]VAYVGATLFA

ClinVar aggregate classification (germline): Uncertain significance. Review status: criteria provided, multiple submitters, no conflicts (2 of 4 stars). 2 submissions from 2 submitters: Uncertain significance (2). Last evaluated 2022-11-29.

Conditions:
DCTN1-related disorder. Also called: DCTN1-related condition.
Amyotrophic lateral sclerosis (ALS). Also called: Charcot disease; Lou Gehrig disease. Identifiers: Orphanet 803, MedGen C0002736, MONDO:0004976, HP:0007354.

Allele frequency attached by ClinVar (database versions not stated): gnomAD exomes 0.00001.
gnomAD v4.1: 8 of 1,614,262 alleles (0.0005%); highest among the groups gnomAD compares: Non-Finnish European, 0.00068%; no homozygotes.

Submissions (2):

PreventionGenetics, part of Exact Sciences
Classification: Uncertain significance for DCTN1-related condition. Last evaluated: 2022-11-29. Review status: criteria provided, single submitter. Criteria: ACMG Guidelines, 2015. Collection method: clinical testing. Allele origin: germline.
Comment: The DCTN1 c.127A>G variant is predicted to result in the amino acid substitution p.Thr43Ala. To our knowledge, this variant has not been reported in the literature in affected individuals or in a large population database, indicating this variant is rare. At this time, the clinical significance of this variant is uncertain due to the absence of conclusive functional and genetic evidence.

Department of Pathology and Laboratory Medicine, Sinai Health System
Classification: Uncertain significance for amyotrophic lateral sclerosis. Last evaluated: 2021-08-20. Review status: criteria provided, single submitter. Criteria: ACMG Guidelines, 2015. Collection method: research. Allele origin: germline.